The following is an entry in ClinVar:

NM_002180.3(IGHMBP2):c.998G>A (p.Arg333Lys)

Gene: IGHMBP2 (immunoglobulin mu DNA binding protein 2; plus strand). Cytogenetic location: 11q13.3.
Variant type: single nucleotide variant.
Coding change: c.998G>A on transcript NM_002180.3 (MANE Select); coding-DNA position 998, G replaced by A.
Protein change: p.Arg333Lys; replaces arginine 333 with lysine.
Molecular consequence: missense variant.
Genome position (GRCh38, 1-based): chr11:68,917,821, G>A. VCF-style: chr11-68917821-G-A. GRCh37 (hg19) VCF-style: chr11-68685289-G-A.
Other names: short protein forms R333K.
Identifiers: ClinVar variation 836684 (VCV000836684.11), dbSNP rs759353094, ClinGen allele CA381644907.

ClinVar aggregate classification (germline): Uncertain significance (1 of 4 stars; one submission).

Conditions:
Charcot-Marie-Tooth disease axonal type 2S. Also called: CHARCOT-MARIE-TOOTH NEUROPATHY, TYPE 2S; CHARCOT-MARIE-TOOTH DISEASE, AXONAL, AUTOSOMAL RECESSIVE, TYPE 2S. Identifiers: Orphanet 443073, MedGen C4015349, MONDO:0014511, OMIM 616155.
Autosomal recessive distal spinal muscular atrophy 1. Also called: HMN VI; NEURONOPATHY, SEVERE INFANTILE AXONAL, WITH RESPIRATORY FAILURE; SEVERE INFANTILE AXONAL NEUROPATHY WITH RESPIRATORY FAILURE; SPINAL MUSCULAR ATROPHY, DIAPHRAGMATIC; Spinal muscular atrophy with respiratory distress 1; NEURONOPATHY, DISTAL HEREDITARY MOTOR, HARDING TYPE VI. Identifiers: Orphanet 98920, MedGen C1858517, MONDO:0011436, OMIM 604320.

Submission:

Labcorp Genetics (formerly Invitae), Labcorp
Classification: Uncertain significance for Autosomal recessive distal spinal muscular atrophy 1; Charcot-Marie-Tooth disease axonal type 2S. Last evaluated: 2023-08-10. Review status: criteria provided, single submitter. Criteria: Invitae Variant Classification Sherloc (09022015). Collection method: clinical testing. Allele origin: germline.
Comment: This variant is not present in population databases (gnomAD no frequency). This variant has not been reported in the literature in individuals affected with IGHMBP2-related conditions. ClinVar contains an entry for this variant (Variation ID: 836684). Advanced modeling of protein sequence and biophysical properties (such as structural, functional, and spatial information, amino acid conservation, physicochemical variation, residue mobility, and thermodynamic stability) performed at Invitae indicates that this missense variant is not expected to disrupt IGHMBP2 protein function. In summary, the available evidence is currently insufficient to determine the role of this variant in disease. Therefore, it has been classified as a Variant of Uncertain Significance. This sequence change replaces arginine, which is basic and polar, with lysine, which is basic and polar, at codon 333 of the IGHMBP2 protein (p.Arg333Lys).